The following is an entry in ClinVar:

NM_182943.3(PLOD2):c.339-22dup

Gene: PLOD2 (procollagen-lysine,2-oxoglutarate 5-dioxygenase 2; minus strand). Cytogenetic location: 3q24.
Variant type: Duplication.
Coding change: c.339-22dup on transcript NM_182943.3 (MANE Select); 22 bases into the intron before coding-DNA position 339, one base duplicated (A; older notation c.339-22dupA).
Molecular consequence: intron variant.
Genome position (GRCh38, 1-based): chr3:146,110,470, T duplicated on the plus strand (A on the coding strand, the reverse complement: PLOD2 is on the minus strand). VCF-style (leftmost placement, unchanged base first): chr3-146110469-G-GT. GRCh37 (hg19) VCF-style: chr3-145828256-G-GT.
Other names: c.339-22dupA (NM_182943.3); c.339-22dup (NM_000935.3).
Identifiers: ClinVar variation 674922 (VCV000674922.3), dbSNP rs3842573, ClinGen allele CA2655278.
Genomic context (GRCh38, chr3:146,110,469, plus strand): 5'-TAGAACTTCTTCTGGACCACCAGCAAATATGACATCAAAGCTGTTCAATGAGGAAAAAAT[G>GT]TGTTTTAAAATACACTTGTCAGAATCTAGGCACATAAACCATGAAAAGTTCTCTAACAAA-3'

ClinVar aggregate classification (germline): Benign. Review status: criteria provided, multiple submitters, no conflicts (2 of 4 stars). 2 submissions from 2 submitters: Benign (2). Last evaluated 2021-10-25.

Conditions:
Bruck syndrome 2 (BRKS2). Also called: OSTEOGENESIS IMPERFECTA WITH CONGENITAL JOINT CONTRACTURES. Identifiers: Orphanet 2771, MedGen C1836602, MONDO:0012217, OMIM 609220.

Allele frequency attached by ClinVar (database versions not stated): ESP Exome Variant Server 0.39458; gnomAD 0.40215 and 0.40645; TOPMed 0.40373; 1000 Genomes Project 30x 0.41052; 1000 Genomes Project 0.41174; gnomAD exomes 0.43563 and 0.43943; ExAC 0.43771.

Submissions (2):

Genome-Nilou Lab
Classification: Benign for Bruck syndrome 2. Last evaluated: 2021-10-25. Review status: criteria provided, single submitter. Criteria: ACMG Guidelines, 2015. Collection method: clinical testing. Allele origin: germline. Affected: no.

GeneDx
Classification: Benign. Last evaluated: 2018-06-14. Review status: criteria provided, single submitter. Criteria: GeneDx Variant Classification (06012015). Collection method: clinical testing. Allele origin: germline. Affected: yes.
Comment: This variant is considered likely benign or benign based on one or more of the following criteria: it is a conservative change, it occurs at a poorly conserved position in the protein, it is predicted to be benign by multiple in silico algorithms, and/or has population frequency not consistent with disease.